The following is an entry in ClinVar:

NM_001040142.2(SCN2A):c.1072A>G (p.Arg358Gly)

Gene: SCN2A (sodium voltage-gated channel alpha subunit 2; plus strand). Cytogenetic location: 2q24.3.
Variant type: single nucleotide variant.
Coding change: c.1072A>G on transcript NM_001040142.2 (MANE Select); coding-DNA position 1072, A replaced by G.
Protein change: p.Arg358Gly; replaces arginine 358 with glycine.
Molecular consequence: missense variant.
Genome position (GRCh38, 1-based): chr2:165,313,657, A>G. VCF-style: chr2-165313657-A-G. GRCh37 (hg19) VCF-style: chr2-166170167-A-G.
Other names: c.1072A>G, p.Arg358Gly (NM_001040143.2, NM_001371246.1, NM_001371247.1 and 1 more transcripts); short protein forms R358G.
Identifiers: ClinVar variation 4787654 (VCV004787654.1).

ClinVar aggregate classification (germline): Uncertain significance (1 of 4 stars; one submission).

Conditions:
Developmental and epileptic encephalopathy, 11 (DEE11). Also called: Early infantile epileptic encephalopathy 11. Identifiers: Orphanet 1934, MedGen C3150987, MONDO:0013388, OMIM 613721.
Seizures, benign familial infantile, 3 (BFIS3). Also called: CONVULSIONS, BENIGN FAMILIAL INFANTILE, 3; Familial neonatal seizures. Identifiers: Orphanet 140927, Orphanet 306, MedGen C1843140, MONDO:0011904, OMIM 607745.

Submission:

Labcorp Genetics (formerly Invitae), Labcorp
Classification: Uncertain significance for Seizures, benign familial infantile, 3; Developmental and epileptic encephalopathy, 11. Last evaluated: 2025-05-30. Review status: criteria provided, single submitter. Criteria: Invitae Variant Classification Sherloc (09022015). Collection method: clinical testing. Allele origin: germline.
Comment: This sequence change replaces arginine, which is basic and polar, with glycine, which is neutral and non-polar, at codon 358 of the SCN2A protein (p.Arg358Gly). This variant is not present in population databases (gnomAD no frequency). This variant has not been reported in the literature in individuals affected with SCN2A-related conditions. Invitae Evidence Modeling of protein sequence and biophysical properties (such as structural, functional, and spatial information, amino acid conservation, physicochemical variation, residue mobility, and thermodynamic stability) indicates that this missense variant is not expected to disrupt SCN2A protein function with a negative predictive value of 95%. In summary, the available evidence is currently insufficient to determine the role of this variant in disease. Therefore, it has been classified as a Variant of Uncertain Significance.